The following is an entry in ClinVar:

ClinVar aggregate classification (germline): Uncertain significance (1 of 4 stars; one submission).

Submission:

GeneDx
Classification: Uncertain significance. Last evaluated: 2022-06-07. Review status: criteria provided, single submitter. Criteria: GeneDx Variant Classification Process June 2021. Collection method: clinical testing. Allele origin: germline. Affected: yes.
Comment: Not observed at significant frequency in large population cohorts (gnomAD); In silico analysis supports that this missense variant does not alter protein structure/function; Has not been previously published as pathogenic or benign to our knowledge

NM_001330360.2(POLA1):c.1535T>C (p.Leu512Pro)

Gene: POLA1 (DNA polymerase alpha 1, catalytic subunit; plus strand). Cytogenetic location: Xp22.11.
Variant type: single nucleotide variant.
Coding change: c.1535T>C on transcript NM_001330360.2 (MANE Select); coding-DNA position 1535, T replaced by C.
Protein change: p.Leu512Pro; replaces leucine 512 with proline.
Molecular consequence: missense variant. On other transcripts: non-coding transcript variant (2).
Genome position (GRCh38, 1-based): chrX:24,727,785, T>C. VCF-style: chrX-24727785-T-C. GRCh37 (hg19) VCF-style: chrX-24745902-T-C.
Other names: c.1460T>C, p.Leu487Pro (NM_001378303.1); c.1517T>C, p.Leu506Pro (NM_016937.4); short protein forms L487P, L506P, L512P.
Identifiers: ClinVar variation 1803657 (VCV001803657.1), dbSNP rs2518791864, ClinGen allele CA412534102.
Genomic context (GRCh38, chrX:24,727,785, plus strand): 5'-AGTAGTTTTTCTTTTTCAGTAAATAGCTATTGATCTGTTGTATCTATTCTCTTTCAGAGC[T>C]CTTGAATCAGCCAGTCAGTTGGTGTAAAGTTGAGGCAATGGCTTTGAAACCAGACCTGGT-3'
Protein context (NP_001317289.1, residues 502-522): PCWLEVKSPQ[Leu512Pro]LNQPVSWCKV